The following is an entry in ClinVar:

ClinVar aggregate classification (germline): Conflicting classifications of pathogenicity. Review status: criteria provided, conflicting classifications (1 of 4 stars). 6 submissions from 6 submitters: Likely pathogenic (1); Uncertain significance (5). Last evaluated 2026-07-08.

Conditions:
NPHP4-related disorder. Also called: NPHP4-related condition; NPHP4-related disorders. Identifiers: MedGen CN239384.
Nephronophthisis. Also called: Juvenile Nephronophthisis. Identifiers: Orphanet 655, MedGen C0687120, MONDO:0019005, HP:0000090.
Retinal dystrophy. Also called: Inherited retinal dystrophy. Identifiers: Orphanet 71862, MedGen C0854723, MeSH D058499, MONDO:0019118, HP:0000556.
Nephronophthisis 4 (NPHP4). Also called: NEPHRONOPHTHISIS 4, JUVENILE. Identifiers: Orphanet 655, MedGen C1847013, MONDO:0011752, OMIM 606966.
Senior-Loken syndrome 4 (SLSN4). Identifiers: Orphanet 3156, MedGen C1846979, MONDO:0011756, OMIM 606996.

Allele frequency attached by ClinVar (database versions not stated): gnomAD exomes 0.00005; gnomAD 0.00007; ESP Exome Variant Server 0.00008; TOPMed 0.00009; 1000 Genomes Project 30x 0.00016.
gnomAD v4.1: 79 of 1,599,982 alleles (0.0049%); highest among the groups gnomAD compares: East Asian, 0.079%; no homozygotes.

Submissions (6):

PreventionGenetics, part of Exact Sciences
Classification: Uncertain significance for NPHP4-related condition. Last evaluated: 2026-07-08. Review status: criteria provided, single submitter. Criteria: ACMG Guidelines, 2015. Collection method: clinical testing. Allele origin: germline.
Comment: The NPHP4 c.3160C>T variant is predicted to result in the amino acid substitution p.Arg1054Cys. This variant has been reported with another NPHP4 missense variant in an individual with symptoms of Senior-Loken syndrome (Wang et al. 2023. PubMed ID: 36990420). This variant has also been observed in the heterozygous state in an individual with heterotaxy (Li et al. 2018. PubMed ID: 30120289). This variant is reported in 0.15% of alleles in individuals of East Asian descent in gnomAD. At this time, the clinical significance of this variant is uncertain due to the absence of conclusive functional and genetic evidence.

Blueprint Genetics
Classification: Uncertain significance. Last evaluated: 2024-04-30. Review status: criteria provided, single submitter. Criteria: ACMG Guidelines, 2015. Collection method: clinical testing. Allele origin: germline.

Fulgent Genetics
Classification: Uncertain significance for Nephronophthisis 4; Senior-Loken syndrome 4. Last evaluated: 2024-02-29. Review status: criteria provided, single submitter. Criteria: ACMG Guidelines, 2015. Collection method: clinical testing. Allele origin: germline.

Labcorp Genetics (formerly Invitae), Labcorp
Classification: Uncertain significance for Nephronophthisis. Last evaluated: 2023-07-21. Review status: criteria provided, single submitter. Criteria: Invitae Variant Classification Sherloc (09022015). Collection method: clinical testing. Allele origin: germline.
Comment: In summary, the available evidence is currently insufficient to determine the role of this variant in disease. Therefore, it has been classified as a Variant of Uncertain Significance. Advanced modeling of protein sequence and biophysical properties (such as structural, functional, and spatial information, amino acid conservation, physicochemical variation, residue mobility, and thermodynamic stability) performed at Invitae indicates that this missense variant is expected to disrupt NPHP4 protein function. ClinVar contains an entry for this variant (Variation ID: 190976). This variant has not been reported in the literature in individuals affected with NPHP4-related conditions. This variant is present in population databases (rs373369949, gnomAD 0.2%). This sequence change replaces arginine, which is basic and polar, with cysteine, which is neutral and slightly polar, at codon 1054 of the NPHP4 protein (p.Arg1054Cys).

Institute of Human Genetics, Univ. Regensburg, Univ. Regensburg
Classification: Uncertain significance for Retinal dystrophy. Last evaluated: 2023-01-01. Review status: criteria provided, single submitter. Criteria: ACMG Guidelines, 2015. Collection method: clinical testing. Allele origin: germline. Affected: yes.

Genomic Medicine Center of Excellence, King Faisal Specialist Hospital and Research Centre
Classification: Likely pathogenic. Review status: criteria provided, single submitter. Criteria: ACMG Guidelines, 2015. Collection method: research. Allele origin: germline. Affected: yes.

Literature cited by the submitters: PubMed 27124789 (cited by Institute of Human Genetics, Univ. Regensburg, Univ. Regensburg); PubMed 30120289 (cited by Institute of Human Genetics, Univ. Regensburg, Univ. Regensburg); PubMed 31589614 (cited by Institute of Human Genetics, Univ. Regensburg, Univ. Regensburg); PubMed 31964843 (cited by Institute of Human Genetics, Univ. Regensburg, Univ. Regensburg).

NM_015102.5(NPHP4):c.3160C>T (p.Arg1054Cys)

Gene: NPHP4 (nephrocystin 4; minus strand). Cytogenetic location: 1p36.31.
Variant type: single nucleotide variant.
Coding change: c.3160C>T on transcript NM_015102.5 (MANE Select); coding-DNA position 3160, C replaced by T.
Protein change: p.Arg1054Cys; replaces arginine 1054 with cysteine.
Molecular consequence: missense variant. On other transcripts: non-coding transcript variant (1).
Genome position (GRCh38, 1-based): chr1:5,874,542, G>A on the plus strand (C>T on the coding strand, the complement: NPHP4 is on the minus strand). VCF-style: chr1-5874542-G-A. GRCh37 (hg19) VCF-style: chr1-5934602-G-A.
Other names: c.1621C>T, p.Arg541Cys (NM_001291593.2); c.1624C>T, p.Arg542Cys (NM_001291594.2); short protein forms R1054C, R542C, R541C.
Identifiers: ClinVar variation 190976 (VCV000190976.14), dbSNP rs373369949, ClinGen allele CA235733.
Genomic context (GRCh38, chr1:5,874,542, plus strand): 5'-CCAGCTGCCCTGCAGAGAAGCTCTGGAACTTGAAGGGGACGTGGGCGGTCTCGTGGGGGC[G>A]CAGGTAGAGCTGGGGGGCCAGGCTGCCACGCAGGTGGAACATGTCCTCCTCCACCGGTGT-3'
Protein context (NP_055917.1, residues 1044-1064): RGSLAPQLYL[Arg1054Cys]PHETAHVPFK